The following is an entry in ClinVar:

NC_000017.10:g.(?_29422308)_(29701193_?)del

Genes: EVI2A (ecotropic viral integration site 2A; minus strand), EVI2B (ecotropic viral integration site 2B; minus strand), NF1 (neurofibromin 1; plus strand), OMG (oligodendrocyte myelin glycoprotein; minus strand). Cytogenetic location: 17q11.2.
Variant type: Deletion.
Identifiers: ClinVar variation 457496 (VCV000457496.3).

ClinVar aggregate classification (germline): Pathogenic (1 of 4 stars; one submission).

Conditions:
Neurofibromatosis, type 1 (NF1). Also called: VON RECKLINGHAUSEN DISEASE; NEUROFIBROMATOSIS, TYPE I, SOMATIC; Peripheral type neurofibromatosis; Neurofibromatosis, type I. Identifiers: Orphanet 636, MedGen C0027831, MONDO:0018975, OMIM 162200. Disease mechanism: loss of function.

Submission:

Labcorp Genetics (formerly Invitae), Labcorp
Classification: Pathogenic for Neurofibromatosis, type 1. Last evaluated: 2019-12-28. Review status: criteria provided, single submitter. Criteria: Invitae Variant Classification Sherloc (09022015). Collection method: clinical testing. Allele origin: germline.
Comment: A gross deletion of the genomic region encompassing the full coding sequence of the NF1 gene has been identified. The boundaries of this event are unknown as the deletion extends beyond the assayed region for this gene and therefore may encompass additional genes. Isolated whole-gene deletions of NF1 have not been reported in the literature. However, many larger copy number events that include this gene have been reported (PMID: 8116612, 9643287, 8931693). Loss-of-function variants in NF1 are known to be pathogenic (PMID: 10712197, 23913538). For these reasons, this variant has been classified as Pathogenic.

Literature cited by the submitters: PubMed 9643287; PubMed 8116612; PubMed 8931693.